The following is an entry in ClinVar:

NM_015046.7(SETX):c.1919C>G (p.Ala640Gly)

Gene: SETX (senataxin; minus strand). Cytogenetic location: 9q34.13.
Variant type: single nucleotide variant.
Coding change: c.1919C>G on transcript NM_015046.7 (MANE Select); coding-DNA position 1919, C replaced by G.
Protein change: p.Ala640Gly; replaces alanine 640 with glycine.
Molecular consequence: missense variant.
Genome position (GRCh38, 1-based): chr9:132,329,679, G>C on the plus strand (C>G on the coding strand, the complement: SETX is on the minus strand). VCF-style: chr9-132329679-G-C. GRCh37 (hg19) VCF-style: chr9-135205066-G-C.
Other names: c.1919C>G, p.Ala640Gly (NM_001351527.2, NM_001351528.2); short protein forms A640G.
Identifiers: ClinVar variation 1782616 (VCV001782616.11), dbSNP rs998278975, ClinGen allele CA200813534.

ClinVar aggregate classification (germline): Conflicting classifications of pathogenicity. Review status: criteria provided, conflicting classifications (1 of 4 stars). 6 submissions from 6 submitters: Uncertain significance (4); Benign (1). 1 of the submissions does not count toward it. Last evaluated 2025-11-06.

Conditions:
SETX-related disorder. Also called: SETX-related condition; SETX-related disorders. Identifiers: MedGen CN239403.
Inborn genetic diseases. Identifiers: MedGen C0950123, MeSH D030342.
Amyotrophic lateral sclerosis type 4 (ALS4). Also called: AMYOTROPHIC LATERAL SCLEROSIS 4, JUVENILE; NEURONOPATHY, DISTAL HEREDITARY MOTOR, WITH PYRAMIDAL FEATURES. Identifiers: Orphanet 357043, MedGen C1865409, MONDO:0011223, OMIM 602433.
Spinocerebellar ataxia, autosomal recessive, with axonal neuropathy 2 (SCAN2). Also called: Ataxia with Oculomotor Apraxia; ATAXIA-OCULOMOTOR APRAXIA 2; Ataxia with Oculomotor Apraxia Type 2; Ataxia-ocular apraxia-2. Identifiers: Orphanet 64753, MedGen C1853761, MONDO:0018996, OMIM 606002.

Allele frequency attached by ClinVar (database versions not stated): TOPMed 0.00001; gnomAD 0.00003.
gnomAD v4.1: 55 of 1,613,824 alleles (0.0034%); highest among the groups gnomAD compares: Non-Finnish European, 0.0043%; no homozygotes.

Submissions (6):

Athena Diagnostics
Classification: Uncertain significance. Last evaluated: 2025-11-06. Review status: criteria provided, single submitter. Criteria: Athena Diagnostics Criteria. Collection method: clinical testing. Allele origin: unknown.
Comment: Available data are insufficient to determine the clinical significance of the variant at this time. The frequency of this variant in the general population is uninformative in assessment of its pathogenicity. Polyphen and MutationTaster predict this amino acid change may be benign.

Labcorp Genetics (formerly Invitae), Labcorp
Classification: Benign for Amyotrophic lateral sclerosis type 4; Spinocerebellar ataxia, autosomal recessive, with axonal neuropathy 2. Last evaluated: 2025-10-08. Review status: criteria provided, single submitter. Criteria: Invitae Variant Classification Sherloc (09022015). Collection method: clinical testing. Allele origin: germline.

GeneDx
Classification: Uncertain significance. Last evaluated: 2023-07-07. Review status: criteria provided, single submitter. Criteria: GeneDx Variant Classification Process June 2021. Collection method: clinical testing. Allele origin: germline. Affected: yes.
Comment: In silico analysis supports that this missense variant does not alter protein structure/function; Has not been previously published as pathogenic or benign to our knowledge

Ambry Genetics
Classification: Uncertain significance for Inborn genetic diseases. Last evaluated: 2020-10-21. Review status: criteria provided, single submitter. Criteria: Ambry Variant Classification Scheme 2023. Collection method: clinical testing. Allele origin: germline.
Comment: The p.A640G variant (also known as c.1919C>G), located in coding exon 8 of the SETX gene, results from a C to G substitution at nucleotide position 1919. The alanine at codon 640 is replaced by glycine, an amino acid with similar properties. This amino acid position is poorly conserved in available vertebrate species. In addition, this alteration is predicted to be tolerated by in silico analysis. Since supporting evidence is limited at this time, the clinical significance of this alteration remains unclear.

Revvity Omics, Revvity
Classification: Uncertain significance. Last evaluated: 2020-06-02. Review status: criteria provided, single submitter. Criteria: ACMG Guidelines, 2015. Collection method: clinical testing. Allele origin: germline.

PreventionGenetics, part of Exact Sciences
Classification: Uncertain significance for SETX-related condition. Last evaluated: 2024-06-18. Review status: no assertion criteria provided. Collection method: clinical testing. Allele origin: germline. Not counted in ClinVar's aggregate classification.
Comment: The SETX c.1919C>G variant is predicted to result in the amino acid substitution p.Ala640Gly. To our knowledge, this variant has not been reported in the literature. This variant is reported in 0.0062% of alleles in individuals of European (Non-Finnish) descent in gnomAD. At this time, the clinical significance of this variant is uncertain due to the absence of conclusive functional and genetic evidence.